The following is an entry in ClinVar:

ClinVar aggregate classification (germline): Uncertain significance (1 of 4 stars; one submission).

Submission:

Labcorp Genetics (formerly Invitae), Labcorp
Classification: Uncertain significance. Last evaluated: 2023-09-30. Review status: criteria provided, single submitter. Criteria: Invitae Variant Classification Sherloc (09022015). Collection method: clinical testing. Allele origin: germline.
Comment: This sequence change replaces valine, which is neutral and non-polar, with threonine, which is neutral and polar, at codon 418 of the CLCN7 protein (p.Val418Thr). Information on the frequency of this variant in the gnomAD database is not available, as this variant may be reported differently in the database. This variant has not been reported in the literature in individuals affected with CLCN7-related conditions. An algorithm developed to predict the effect of missense changes on protein structure and function (PolyPhen-2) suggests that this variant is likely to be tolerated. In summary, the available evidence is currently insufficient to determine the role of this variant in disease. Therefore, it has been classified as a Variant of Uncertain Significance.

NM_001287.6(CLCN7):c.1252_1253inv (p.Val418Thr)

Gene: CLCN7 (chloride voltage-gated channel 7; minus strand). Cytogenetic location: 16p13.3.
Variant type: Inversion.
Coding change: c.1252_1253inv on transcript NM_001287.6 (MANE Select).
Protein change: p.Val418Thr; replaces valine 418 with threonine.
Molecular consequence: missense variant.
Genome position: GRCh38 VCF-style: chr16-1452855-AC-GT. GRCh37 (hg19) VCF-style: chr16-1502856-AC-GT.
Other names: c.1180_1181inv, p.Val394Thr (NM_001114331.3); short protein forms V394T, V418T.
Identifiers: ClinVar variation 2971029 (VCV002971029.3), ClinGen allele CA2740096807.